The following is an entry in ClinVar:

NM_002894.3(RBBP8):c.703A>G (p.Met235Val)

Gene: RBBP8 (RB binding protein 8, endonuclease; plus strand). Cytogenetic location: 18q11.2.
Variant type: single nucleotide variant.
Coding change: c.703A>G on transcript NM_002894.3 (MANE Select); coding-DNA position 703, A replaced by G.
Protein change: p.Met235Val; replaces methionine 235 with valine.
Molecular consequence: missense variant.
Genome position (GRCh38, 1-based): chr18:22,984,984, A>G. VCF-style: chr18-22984984-A-G. GRCh37 (hg19) VCF-style: chr18-20564947-A-G.
Other names: c.703A>G, p.Met235Val (NM_203291.2, NM_203292.2); c.703A>G (NM_002894.2); short protein forms M235V.
Identifiers: ClinVar variation 1411262 (VCV001411262.6), dbSNP rs540122133, ClinGen allele CA8909903.

ClinVar aggregate classification (germline): Conflicting classifications of pathogenicity. Review status: criteria provided, conflicting classifications (1 of 4 stars). 2 submissions from 2 submitters: Uncertain significance (1); Likely benign (1). Last evaluated 2025-08-26.

Conditions:
Inborn genetic diseases. Identifiers: MedGen C0950123, MeSH D030342.

Allele frequency attached by ClinVar (database versions not stated): ExAC 0.00001; gnomAD 0.00001; TOPMed 0.00001; gnomAD exomes 0.00002 and 0.00003; 1000 Genomes Project 30x 0.00016; 1000 Genomes Project 0.00020.
gnomAD v4.1: 40 of 1,611,238 alleles (0.0025%); highest among the groups gnomAD compares: South Asian, 0.0055%; no homozygotes.

Submissions (2):

Ambry Genetics
Classification: Likely benign for Inborn genetic diseases. Last evaluated: 2025-08-26. Review status: criteria provided, single submitter. Criteria: Ambry Variant Classification Scheme 2023. Collection method: clinical testing. Allele origin: germline.

Labcorp Genetics (formerly Invitae), Labcorp
Classification: Uncertain significance. Last evaluated: 2021-08-30. Review status: criteria provided, single submitter. Criteria: Invitae Variant Classification Sherloc (09022015). Collection method: clinical testing. Allele origin: germline.
Comment: This sequence change replaces methionine with valine at codon 235 of the RBBP8 protein (p.Met235Val). The methionine residue is weakly conserved and there is a small physicochemical difference between methionine and valine. This variant is present in population databases (rs540122133, ExAC 0.006%). This variant has not been reported in the literature in individuals affected with RBBP8-related conditions. Algorithms developed to predict the effect of missense changes on protein structure and function output the following: SIFT: "Tolerated"; PolyPhen-2: "Benign"; Align-GVGD: "Class C0". The valine amino acid residue is found in multiple mammalian species, which suggests that this missense change does not adversely affect protein function. Algorithms developed to predict the effect of sequence changes on RNA splicing suggest that this variant may create or strengthen a splice site. In summary, the available evidence is currently insufficient to determine the role of this variant in disease. Therefore, it has been classified as a Variant of Uncertain Significance.